The following is an entry in ClinVar:

ClinVar aggregate classification (germline): Likely pathogenic (1 of 4 stars; one submission).

Conditions:
Hereditary cancer-predisposing syndrome. Also called: Neoplastic Syndromes, Hereditary; Tumor predisposition; Hereditary neoplastic syndrome; Hereditary Cancer Syndrome. Identifiers: Orphanet 140162, MedGen C0027672, MeSH D009386, MONDO:0015356.

Submission:

Ambry Genetics
Classification: Likely pathogenic for Hereditary cancer-predisposing syndrome. Last evaluated: 2024-02-02. Review status: criteria provided, single submitter. Criteria: Ambry Variant Classification Scheme 2023. Collection method: clinical testing. Allele origin: germline.
Comment: The c.361_362insAlu likely pathogenic variant results from the insertion of an Alu element between nucleotides 361 and 362 in coding exon 2 of the PTCH1 gene. Mobile element insertions contribute to pathogenicity by either disrupting the coding sequence or inducing aberrant splicing (Belancio VP et al. Semin. Cancer Biol. 2010 Aug;20:200-10; Deininger P et al. Genome Biol. 2011 Dec;12:236; van der Klift HM Hum Mutat. 2012 Jul;33(7):1051-5). Based on the majority of available evidence to date, this variant is likely to be pathogenic.

NM_000264.3:c.361_362insALU

Gene: PTCH1 (patched 1; minus strand).
Variant type: Insertion.
Identifiers: ClinVar variation 3231021 (VCV003231021.1).